The following is an entry in ClinVar:

NM_000426.4(LAMA2):c.8581_8584dup (p.Tyr2862fs)

Gene: LAMA2 (laminin subunit alpha 2; plus strand). Cytogenetic location: 6q22.33.
Variant type: Duplication.
Coding change: c.8581_8584dup on transcript NM_000426.4 (MANE Select); coding-DNA positions 8581 to 8584, 4 bases duplicated (CTTT; older notation c.8581_8584dupCTTT).
Protein change: p.Tyr2862fs; shifts the reading frame from tyrosine 2862.
Molecular consequence: frameshift variant.
Genome position (GRCh38, 1-based): chr6:129,505,233-129,505,236, CTTT duplicated; duplicating any 4 consecutive bases within chr6:129,505,231-129,505,236 gives the same sequence; the c. name uses the placement nearest the transcript's 3' end. VCF-style (leftmost placement, unchanged base first): chr6-129505230-A-ATTCT. GRCh37 (hg19) VCF-style: chr6-129826375-A-ATTCT.
Other names: c.8569_8572dup, p.Tyr2858fs (NM_001079823.2); c.8581_8584dupCTTT (NM_000426.3); short protein forms Y2858fs, Y2862fs.
Identifiers: ClinVar variation 649490 (VCV000649490.9), dbSNP rs1583919688, ClinGen allele CA915942783.
Genomic context (GRCh38, chr6:129,505,230, plus strand): 5'-TGGCATTAATGACTCCTTTCTTTTTTGTAGATTAAGATAATGAGAAGTAAGCAAGAAGGA[A>ATTCT]TTCTTTATGTAGATGGGGCTTCCAACAGAACCATCAGTCCCAAAAAAGCCGACATCCTGG-3'

ClinVar aggregate classification (germline): Pathogenic (1 of 4 stars; one submission).

Conditions:
LAMA2-related muscular dystrophy (LAMA2-RD). Also called: Laminin alpha 2-related dystrophy. Identifiers: MedGen C5679788, MONDO:0100228.

Submission:

Labcorp Genetics (formerly Invitae), Labcorp
Classification: Pathogenic for LAMA2-related muscular dystrophy. Last evaluated: 2025-09-18. Review status: criteria provided, single submitter. Criteria: Invitae Variant Classification Sherloc (09022015). Collection method: clinical testing. Allele origin: germline.
Comment: This sequence change creates a premature translational stop signal (p.Tyr2862Serfs*45) in the LAMA2 gene. It is expected to result in an absent or disrupted protein product. Loss-of-function variants in LAMA2 are known to be pathogenic (PMID: 18700894, 32904964). This variant is not present in population databases (gnomAD no frequency). This variant has not been reported in the literature in individuals affected with LAMA2-related conditions. ClinVar contains an entry for this variant (Variation ID: 649490). Algorithms developed to predict the effect of sequence changes on RNA splicing suggest that this variant may create or strengthen a splice site. For these reasons, this variant has been classified as Pathogenic.

Literature cited by the submitters: PubMed 18700894; PubMed 32904964.